The following is an entry in ClinVar:

NM_006015.6(ARID1A):c.989C>T (p.Ala330Val)

Genes: ARID1A (AT-rich interaction domain 1A; plus strand), LOC129929837 (ATAC-STARR-seq lymphoblastoid silent region 489; plus strand). Cytogenetic location: 1p36.11.
Variant type: single nucleotide variant.
Coding change: c.989C>T on transcript NM_006015.6 (MANE Select); coding-DNA position 989, C replaced by T.
Protein change: p.Ala330Val; replaces alanine 330 with valine.
Molecular consequence: missense variant.
Genome position (GRCh38, 1-based): chr1:26,697,392, C>T. VCF-style: chr1-26697392-C-T. GRCh37 (hg19) VCF-style: chr1-27023883-C-T.
Other names: c.989C>T, p.Ala330Val (NM_139135.4); short protein forms A330V.
Identifiers: ClinVar variation 3619987 (VCV003619987.3).

ClinVar aggregate classification (germline): Uncertain significance. Review status: criteria provided, multiple submitters, no conflicts (2 of 4 stars). 2 submissions from 2 submitters: Uncertain significance (2). Last evaluated 2025-12-30.

Conditions:
Inborn genetic diseases. Identifiers: MedGen C0950123, MeSH D030342.

gnomAD v4.1: 1 of 1,322,870 alleles (0.000076%); highest among the groups gnomAD compares: Non-Finnish European, 0.000096%; no homozygotes.

Submissions (2):

Ambry Genetics
Classification: Uncertain significance for Inborn genetic diseases. Last evaluated: 2025-12-30. Review status: criteria provided, single submitter. Criteria: Ambry Variant Classification Scheme 2023. Collection method: clinical testing. Allele origin: germline.

Labcorp Genetics (formerly Invitae), Labcorp
Classification: Uncertain significance. Last evaluated: 2024-04-30. Review status: criteria provided, single submitter. Criteria: Invitae Variant Classification Sherloc (09022015). Collection method: clinical testing. Allele origin: germline.
Comment: This sequence change replaces alanine, which is neutral and non-polar, with valine, which is neutral and non-polar, at codon 330 of the ARID1A protein (p.Ala330Val). This variant is not present in population databases (gnomAD no frequency). This variant has not been reported in the literature in individuals affected with ARID1A-related conditions. Advanced modeling of protein sequence and biophysical properties (such as structural, functional, and spatial information, amino acid conservation, physicochemical variation, residue mobility, and thermodynamic stability) performed at Invitae indicates that this missense variant is not expected to disrupt ARID1A protein function with a negative predictive value of 95%. In summary, the available evidence is currently insufficient to determine the role of this variant in disease. Therefore, it has been classified as a Variant of Uncertain Significance.